The following is an entry in ClinVar:

ClinVar aggregate classification (germline): Likely benign (1 of 4 stars; one submission).

Allele frequency attached by ClinVar (database versions not stated): gnomAD 0.02295 and 0.02356; TOPMed 0.02410; 1000 Genomes Project 0.02815; 1000 Genomes Project 30x 0.02998.
gnomAD v4.1: 3,591 of 152,294 alleles (2.4%); highest among the groups gnomAD compares: Admixed American, 4.4%; 57 homozygotes.

Submission:

GeneDx
Classification: Likely benign. Last evaluated: 2018-06-19. Review status: criteria provided, single submitter. Criteria: GeneDx Variant Classification (06012015). Collection method: clinical testing. Allele origin: germline. Affected: yes.
Comment: This variant is considered likely benign or benign based on one or more of the following criteria: it is a conservative change, it occurs at a poorly conserved position in the protein, it is predicted to be benign by multiple in silico algorithms, and/or has population frequency not consistent with disease.

NM_001382391.1(CSPP1):c.1976-270A>T

Gene: CSPP1 (centrosome and spindle pole associated protein 1; plus strand). Cytogenetic location: 8q13.2.
Variant type: single nucleotide variant.
Coding change: c.1976-270A>T on transcript NM_001382391.1 (MANE Select); 270 bases into the intron before coding-DNA position 1976, A replaced by T.
Molecular consequence: intron variant.
Genome position (GRCh38, 1-based): chr8:67,149,513, A>T. VCF-style: chr8-67149513-A-T. GRCh37 (hg19) VCF-style: chr8-68061748-A-T.
Other names: c.1934-4511A>T (NM_001363132.2); c.1895-270A>T (NM_001363131.2); c.1853-4511A>T (NM_001363133.2); c.2042-270A>T (NM_001364869.1); c.1961-270A>T (NM_024790.7, NM_001438331.1); c.1961-4511A>T (NM_001438330.1); c.1862-270A>T (NM_001364870.1); c.1430-4511A>T (NM_001438332.1); and 1 more.
Identifiers: ClinVar variation 674037 (VCV000674037.1), dbSNP rs79493632, ClinGen allele CA178186545.